The following is an entry in ClinVar:

NM_001042492.3(NF1):c.1587del (p.Val530fs)

Gene: NF1 (neurofibromin 1; plus strand). Cytogenetic location: 17q11.2.
Variant type: Deletion.
Coding change: c.1587del on transcript NM_001042492.3 (MANE Select); coding-DNA position 1587, one base deleted (C; older notation c.1587delC).
Protein change: p.Val530fs; shifts the reading frame from valine 530.
Molecular consequence: frameshift variant.
Genome position (GRCh38, 1-based): chr17:31,219,064, C deleted. VCF-style (leftmost placement, unchanged base first): chr17-31219063-TC-T. GRCh37 (hg19) VCF-style: chr17-29546081-TC-T.
Other names: c.1587delC (NM_000267.3); c.1587delC, p.Val530Serfs (NM_000267.4); c.1587del, p.Val530fs (NM_001128147.3); short protein forms V530fs.
Identifiers: ClinVar variation 3238390 (VCV003238390.1), dbSNP rs2544840669.

ClinVar aggregate classification (germline): Pathogenic (1 of 4 stars; one submission).

Conditions:
Hereditary cancer-predisposing syndrome. Also called: Neoplastic Syndromes, Hereditary; Tumor predisposition; Hereditary neoplastic syndrome; Hereditary Cancer Syndrome. Identifiers: Orphanet 140162, MedGen C0027672, MeSH D009386, MONDO:0015356.
Cardiovascular phenotype. Identifiers: MedGen CN230736.

Submission:

Ambry Genetics
Classification: Pathogenic for Cardiovascular phenotype; Hereditary cancer-predisposing syndrome. Last evaluated: 2024-02-07. Review status: criteria provided, single submitter. Criteria: Ambry Variant Classification Scheme 2023. Collection method: clinical testing. Allele origin: germline.
Comment: The c.1587delC pathogenic mutation, located in coding exon 14 of the NF1 gene, results from a deletion of one nucleotide at nucleotide position 1587, causing a translational frameshift with a predicted alternate stop codon (p.V530Sfs*26). This variant is considered to be rare based on population cohorts in the Genome Aggregation Database (gnomAD). This alteration is expected to result in loss of function by premature protein truncation or nonsense-mediated mRNA decay. As such, this alteration is interpreted as a disease-causing mutation.